The following is an entry in ClinVar:

NM_005045.4(RELN):c.2303+2T>G

Gene: RELN (reelin; minus strand). Cytogenetic location: 7q22.1.
Variant type: single nucleotide variant.
Coding change: c.2303+2T>G on transcript NM_005045.4 (MANE Select); the canonical splice donor site of the intron after coding-DNA position 2303, T replaced by G.
Molecular consequence: splice donor variant.
Genome position (GRCh38, 1-based): chr7:103,636,233, A>C on the plus strand (T>G on the coding strand, the complement: RELN is on the minus strand). VCF-style: chr7-103636233-A-C. GRCh37 (hg19) VCF-style: chr7-103276680-A-C.
Other names: c.2303+2T>G (NM_173054.3).
Identifiers: ClinVar variation 2929681 (VCV002929681.3), dbSNP rs2484802404, ClinGen allele CA368761374.

ClinVar aggregate classification (germline): Likely pathogenic (1 of 4 stars; one submission).

Conditions:
Familial temporal lobe epilepsy 7. Identifiers: Orphanet 101046, MedGen C4225327, MONDO:0014639, OMIM 616436.
Norman-Roberts syndrome (LIS2). Also called: Lissencephaly 2 (Norman-Roberts type). Identifiers: Orphanet 89844, MedGen C0796089, MONDO:0009760, OMIM 257320.

Submission:

Labcorp Genetics (formerly Invitae), Labcorp
Classification: Likely pathogenic for Familial temporal lobe epilepsy 7; Norman-Roberts syndrome. Last evaluated: 2024-01-28. Review status: criteria provided, single submitter. Criteria: Invitae Variant Classification Sherloc (09022015). Collection method: clinical testing. Allele origin: germline.
Comment: This sequence change affects a donor splice site in intron 18 of the RELN gene. It is expected to disrupt RNA splicing. Variants that disrupt the donor or acceptor splice site typically lead to a loss of protein function (PMID: 16199547), and loss-of-function variants in RELN are known to be pathogenic (PMID: 10973257, 26046367, 28454995). This variant is not present in population databases (gnomAD no frequency). This variant has not been reported in the literature in individuals affected with RELN-related conditions. Algorithms developed to predict the effect of sequence changes on RNA splicing suggest that this variant may disrupt the consensus splice site. In summary, the currently available evidence indicates that the variant is pathogenic, but additional data are needed to prove that conclusively. Therefore, this variant has been classified as Likely Pathogenic.

Literature cited by the submitters: PubMed 16199547; PubMed 10973257; PubMed 26046367; PubMed 28454995.